The following is an entry in ClinVar:

ClinVar aggregate classification (germline): Uncertain significance. Review status: criteria provided, multiple submitters, no conflicts (2 of 4 stars). 2 submissions from 2 submitters: Uncertain significance (2). Last evaluated 2023-11-27.

Allele frequency attached by ClinVar (database versions not stated): gnomAD exomes below 0.00001 and 0.00001; ExAC 0.00001; gnomAD 0.00001; TOPMed 0.00001.
gnomAD v4.1: 7 of 1,606,880 alleles (0.00044%); highest among the groups gnomAD compares: Admixed American, 0.0033%; no homozygotes.

Submissions (2):

Labcorp Genetics (formerly Invitae), Labcorp
Classification: Uncertain significance. Last evaluated: 2023-11-27. Review status: criteria provided, single submitter. Criteria: Invitae Variant Classification Sherloc (09022015). Collection method: clinical testing. Allele origin: germline.
Comment: This sequence change replaces alanine, which is neutral and non-polar, with valine, which is neutral and non-polar, at codon 246 of the POC1B protein (p.Ala246Val). This variant is present in population databases (rs760616676, gnomAD 0.003%). This variant has not been reported in the literature in individuals affected with POC1B-related conditions. ClinVar contains an entry for this variant (Variation ID: 1443652). Advanced modeling of protein sequence and biophysical properties (such as structural, functional, and spatial information, amino acid conservation, physicochemical variation, residue mobility, and thermodynamic stability) performed at Invitae indicates that this missense variant is not expected to disrupt POC1B protein function with a negative predictive value of 80%. In summary, the available evidence is currently insufficient to determine the role of this variant in disease. Therefore, it has been classified as a Variant of Uncertain Significance.

Blueprint Genetics
Classification: Uncertain significance. Last evaluated: 2019-09-21. Review status: criteria provided, single submitter. Criteria: ACMG Guidelines, 2015. Collection method: clinical testing. Allele origin: germline.

NM_172240.3(POC1B):c.737C>T (p.Ala246Val)

Genes: POC1B (POC1 centriolar protein B; minus strand), POC1B-DUSP6 (POC1B-DUSP6 readthrough; minus strand). Cytogenetic location: 12q21.33.
Variant type: single nucleotide variant.
Coding change: c.737C>T on transcript NM_172240.3 (MANE Select); coding-DNA position 737, C replaced by T.
Protein change: p.Ala246Val; replaces alanine 246 with valine.
Molecular consequence: missense variant. On other transcripts: non-coding transcript variant (2).
Genome position (GRCh38, 1-based): chr12:89,470,434, G>A on the plus strand (C>T on the coding strand, the complement: POC1B is on the minus strand). VCF-style: chr12-89470434-G-A. GRCh37 (hg19) VCF-style: chr12-89864211-G-A.
Other names: c.611C>T, p.Ala204Val (NM_001199777.2); short protein forms A246V, A204V.
Identifiers: ClinVar variation 1443652 (VCV001443652.9), dbSNP rs760616676, ClinGen allele CA6714412.